The following is an entry in ClinVar:

ClinVar aggregate classification (germline): Uncertain significance (1 of 4 stars; one submission).

Conditions:
Cardiovascular phenotype. Identifiers: MedGen CN230736.

Submission:

Ambry Genetics
Classification: Uncertain significance for Cardiovascular phenotype. Last evaluated: 2024-05-17. Review status: criteria provided, single submitter. Criteria: Ambry Variant Classification Scheme 2023. Collection method: clinical testing. Allele origin: germline.
Comment: The p.L468H variant (also known as c.1403T>A), located in coding exon 12 of the ACTN2 gene, results from a T to A substitution at nucleotide position 1403. The leucine at codon 468 is replaced by histidine, an amino acid with similar properties. This amino acid position is conserved. In addition, this alteration is predicted to be deleterious by in silico analysis. Based on the available evidence, the clinical significance of this variant remains unclear.

NM_001103.4(ACTN2):c.1403T>A (p.Leu468His)

Gene: ACTN2 (actinin alpha 2; plus strand). Cytogenetic location: 1q43.
Variant type: single nucleotide variant.
Coding change: c.1403T>A on transcript NM_001103.4 (MANE Select); coding-DNA position 1403, T replaced by A.
Protein change: p.Leu468His; replaces leucine 468 with histidine.
Molecular consequence: missense variant. On other transcripts: non-coding transcript variant (1).
Genome position (GRCh38, 1-based): chr1:236,744,773, T>A. VCF-style: chr1-236744773-T-A. GRCh37 (hg19) VCF-style: chr1-236908073-T-A.
Other names: c.1403T>A, p.Leu468His (NM_001278343.2); short protein forms L468H.
Identifiers: ClinVar variation 3264300 (VCV003264300.1).
Genomic context (GRCh38, chr1:236,744,773, plus strand): 5'-AGAGCGACCTGGCAGCGCACCAGGACCGCGTGGAGCAGATCGCAGCCATCGCGCAGGAGC[T>A]CAAGTATGTGCAGATGCCCTCCGTCCTCCCGGGAGCCCCTGGGATTCCACAGAGAGGGGA-3'
Protein context (NP_001094.1, residues 458-478): VEQIAAIAQE[Leu468His]NELDYHDAVN